The following is an entry in ClinVar:

ClinVar aggregate classification (germline): Uncertain significance (1 of 4 stars; one submission).

Submission:

Labcorp Genetics (formerly Invitae), Labcorp
Classification: Uncertain significance. Last evaluated: 2024-04-05. Review status: criteria provided, single submitter. Criteria: Invitae Variant Classification Sherloc (09022015). Collection method: clinical testing. Allele origin: germline.
Comment: This sequence change replaces alanine, which is neutral and non-polar, with valine, which is neutral and non-polar, at codon 1063 of the SRCAP protein (p.Ala1063Val). This variant is not present in population databases (gnomAD no frequency). This variant has not been reported in the literature in individuals affected with SRCAP-related conditions. Advanced modeling of protein sequence and biophysical properties (such as structural, functional, and spatial information, amino acid conservation, physicochemical variation, residue mobility, and thermodynamic stability) performed at Invitae indicates that this missense variant is not expected to disrupt SRCAP protein function with a negative predictive value of 80%. In summary, the available evidence is currently insufficient to determine the role of this variant in disease. Therefore, it has been classified as a Variant of Uncertain Significance.

NM_006662.3(SRCAP):c.3188C>T (p.Ala1063Val)

Gene: SRCAP (Snf2 related CREBBP activator protein; plus strand). Cytogenetic location: 16p11.2.
Variant type: single nucleotide variant.
Coding change: c.3188C>T on transcript NM_006662.3 (MANE Select); coding-DNA position 3188, C replaced by T.
Protein change: p.Ala1063Val; replaces alanine 1063 with valine.
Molecular consequence: missense variant.
Genome position (GRCh38, 1-based): chr16:30,720,913, C>T. VCF-style: chr16-30720913-C-T. GRCh37 (hg19) VCF-style: chr16-30732234-C-T.
Other names: short protein forms A1063V.
Identifiers: ClinVar variation 3683802 (VCV003683802.2).